The following is an entry in ClinVar:

NM_006361.6(HOXB13):c.166T>C (p.Ser56Pro)

Gene: HOXB13 (homeobox B13; minus strand). Cytogenetic location: 17q21.32.
Variant type: single nucleotide variant.
Coding change: c.166T>C on transcript NM_006361.6 (MANE Select); coding-DNA position 166, T replaced by C.
Protein change: p.Ser56Pro; replaces serine 56 with proline.
Molecular consequence: missense variant.
Genome position (GRCh38, 1-based): chr17:48,728,428, A>G on the plus strand (T>C on the coding strand, the complement: HOXB13 is on the minus strand). VCF-style: chr17-48728428-A-G. GRCh37 (hg19) VCF-style: chr17-46805790-A-G.
Other names: short protein forms S56P.
Identifiers: ClinVar variation 690580 (VCV000690580.4), dbSNP rs1597934943, ClinGen allele CA400109019.

ClinVar aggregate classification (germline): Uncertain significance. Review status: criteria provided, single submitter (1 of 4 stars). 2 submissions from 2 submitters: Uncertain significance (1). 1 of the submissions does not count toward it. Last evaluated 2024-05-13.

Conditions:
Prostate cancer, hereditary, 1 (HPC1). Identifiers: Orphanet 1331, MedGen C4722327, MONDO:0011098, OMIM 601518.

Submissions (2):

Labcorp Genetics (formerly Invitae), Labcorp
Classification: Uncertain significance. Last evaluated: 2024-05-13. Review status: criteria provided, single submitter. Criteria: Invitae Variant Classification Sherloc (09022015). Collection method: clinical testing. Allele origin: germline.
Comment: This sequence change replaces serine, which is neutral and polar, with proline, which is neutral and non-polar, at codon 56 of the HOXB13 protein (p.Ser56Pro). This variant is not present in population databases (gnomAD no frequency). This variant has not been reported in the literature in individuals affected with HOXB13-related conditions. ClinVar contains an entry for this variant (Variation ID: 690580). Algorithms developed to predict the effect of missense changes on protein structure and function output the following: SIFT: "Not Available"; PolyPhen-2: "Benign"; Align-GVGD: "Not Available". The proline amino acid residue is found in multiple mammalian species, which suggests that this missense change does not adversely affect protein function. In summary, the available evidence is currently insufficient to determine the role of this variant in disease. Therefore, it has been classified as a Variant of Uncertain Significance.

Laboratory of Virology, Microbiology,  Quality and Medical Biotechnologies, Faculty of Sciences and Techniques - Mohammedia, Hassan II University of Casablanca
Classification: Uncertain significance for Prostate cancer, hereditary, 1. Review status: no assertion criteria provided. Collection method: clinical testing. Allele origin: somatic. Affected: yes. Not counted in ClinVar's aggregate classification.